The following is an entry in ClinVar:

NM_001164508.2(NEB):c.7169del (p.Cys2390fs)

Gene: NEB (nebulin; minus strand). Cytogenetic location: 2q23.3.
Variant type: Deletion.
Coding change: c.7169del on transcript NM_001164508.2 (MANE Select); coding-DNA position 7169, one base deleted (G; older notation c.7169delG).
Protein change: p.Cys2390fs; shifts the reading frame from cysteine 2390.
Molecular consequence: frameshift variant.
Genome position (GRCh38, 1-based): chr2:151,650,632, C deleted on the plus strand (G on the coding strand, the reverse complement: NEB is on the minus strand). VCF-style (leftmost placement, unchanged base first): chr2-151650631-AC-A. GRCh37 (hg19) VCF-style: chr2-152507145-AC-A.
Other names: c.7169del, p.Cys2390fs (NM_001164507.2, NM_001271208.2, NM_004543.5); c.7169delG, p.Cys2390Phefs (NM_001271208.1); short protein forms C2390fs.
Identifiers: ClinVar variation 4814782 (VCV004814782.1).

ClinVar aggregate classification (germline): Likely pathogenic (1 of 4 stars; one submission).

Conditions:
Nemaline myopathy 2 (NEM2). Also called: Nemaline myopathy 2, autosomal recessive. Identifiers: MedGen C1850569, MONDO:0009725, OMIM 256030.

Submission:

Natera, Inc.
Classification: Likely pathogenic for Nemaline myopathy type 2. Last evaluated: 2024-05-07. Review status: criteria provided, single submitter. Criteria: Natera Variant Classification Schema (03/2026). Collection method: clinical testing. Allele origin: germline.
Comment: The c.7169del variant in NEB is a frameshift variant predicted to shift the reading frame beginning at codon 2390 and leads to a stop codon 30 codons downstream. This variant is expected to result in nonsense mediated decay, truncation, or a dysfunctional protein product. This variant is rare in the general population with a frequency below the threshold expected for the associated phenotype(s). Given the available evidence, this variant is classified as Likely Pathogenic.